The following is an entry in ClinVar:

NM_001172303.3(MASTL):c.1935G>A (p.Thr645=)

Gene: MASTL (microtubule associated serine/threonine kinase like; plus strand). Cytogenetic location: 10p12.1.
Variant type: single nucleotide variant.
Coding change: c.1935G>A on transcript NM_001172303.3 (MANE Select); coding-DNA position 1935, G replaced by A.
Protein change: p.Thr645=; no amino-acid change (threonine 645 retained).
Molecular consequence: synonymous variant. On other transcripts: non-coding transcript variant (1).
Genome position (GRCh38, 1-based): chr10:27,170,894, G>A. VCF-style: chr10-27170894-G-A. GRCh37 (hg19) VCF-style: chr10-27459823-G-A.
Other names: c.1935G>A, p.Thr645= (NM_001172304.3, NM_001320756.2, NM_001320757.2 and 1 more transcripts); c.1452G>A, p.Thr484= (NM_001372029.1, NM_001372030.1).
Identifiers: ClinVar variation 3037409 (VCV003037409.2), dbSNP rs767592505, ClinGen allele CA5450308.

ClinVar aggregate classification (germline): Likely benign (0 of 4 stars; one submission).

Conditions:
MASTL-related disorder. Also called: MASTL-related condition.

Allele frequency attached by ClinVar (database versions not stated): ExAC 0.00003; gnomAD exomes 0.00004; TOPMed 0.00004; gnomAD 0.00006.
gnomAD v4.1: 76 of 1,614,048 alleles (0.0047%); highest among the groups gnomAD compares: Non-Finnish European, 0.0051%; no homozygotes.

Submission:

PreventionGenetics, part of Exact Sciences
Classification: Likely benign for MASTL-related condition. Last evaluated: 2019-05-08. Review status: no assertion criteria provided. Collection method: clinical testing. Allele origin: germline.
Comment: This variant is classified as likely benign based on ACMG/AMP sequence variant interpretation guidelines (Richards et al. 2015 PMID: 25741868, with internal and published modifications).